The following is an entry in ClinVar:

NM_002485.5(NBN):c.1259C>G (p.Thr420Ser)

Gene: NBN (nibrin; minus strand). Cytogenetic location: 8q21.3.
Variant type: single nucleotide variant.
Coding change: c.1259C>G on transcript NM_002485.5 (MANE Select); coding-DNA position 1259, C replaced by G.
Protein change: p.Thr420Ser; replaces threonine 420 with serine.
Molecular consequence: missense variant.
Genome position (GRCh38, 1-based): chr8:89,955,421, G>C on the plus strand (C>G on the coding strand, the complement: NBN is on the minus strand). VCF-style: chr8-89955421-G-C. GRCh37 (hg19) VCF-style: chr8-90967649-G-C.
Other names: c.1013C>G, p.Thr338Ser (NM_001024688.3); short protein forms T338S, T420S.
Identifiers: ClinVar variation 2087486 (VCV002087486.6), dbSNP rs772147514, ClinGen allele CA4802770.

ClinVar aggregate classification (germline): Uncertain significance. Review status: criteria provided, multiple submitters, no conflicts (2 of 4 stars). 2 submissions from 2 submitters: Uncertain significance (2). Last evaluated 2025-05-19.

Conditions:
Microcephaly, normal intelligence and immunodeficiency (NBS). Also called: Immunodeficiency, microcephaly with normal intelligence; Ataxia telangiectasia variant V1; BERLIN BREAKAGE SYNDROME; Nijmegen breakage syndrome; Microcephaly with normal intelligence immunodeficiency and lymphoreticular malignancies; Nonsyndromal microcephaly autosomal recessive with normal intelligence. Identifiers: Orphanet 647, MedGen C0398791, MONDO:0009623, OMIM 251260.
Hereditary cancer-predisposing syndrome. Also called: Tumor predisposition; Neoplastic Syndromes, Hereditary; Hereditary neoplastic syndrome; Hereditary Cancer Syndrome. Identifiers: Orphanet 140162, MedGen C0027672, MeSH D009386, MONDO:0015356.

Allele frequency attached by ClinVar (database versions not stated): gnomAD exomes below 0.00001; ExAC 0.00001.
gnomAD v4.1: 1 of 1,613,820 alleles (0.000062%); highest among the groups gnomAD compares: East Asian, 0.0022%; no homozygotes.

Submissions (2):

Ambry Genetics
Classification: Uncertain significance for Hereditary cancer-predisposing syndrome. Last evaluated: 2025-05-19. Review status: criteria provided, single submitter. Criteria: Ambry Variant Classification Scheme 2023. Collection method: clinical testing. Allele origin: germline.
Comment: The p.T420S variant (also known as c.1259C>G), located in coding exon 10 of the NBN gene, results from a C to G substitution at nucleotide position 1259. The threonine at codon 420 is replaced by serine, an amino acid with similar properties. This amino acid position is conserved. In addition, this alteration is predicted to be tolerated by in silico analysis. Based on the available evidence, the clinical significance of this variant remains unclear.

Labcorp Genetics (formerly Invitae), Labcorp
Classification: Uncertain significance for Microcephaly, normal intelligence and immunodeficiency. Last evaluated: 2024-04-22. Review status: criteria provided, single submitter. Criteria: Invitae Variant Classification Sherloc (09022015). Collection method: clinical testing. Allele origin: germline.
Comment: This sequence change replaces threonine, which is neutral and polar, with serine, which is neutral and polar, at codon 420 of the NBN protein (p.Thr420Ser). This variant is present in population databases (rs772147514, gnomAD 0.006%). This variant has not been reported in the literature in individuals affected with NBN-related conditions. ClinVar contains an entry for this variant (Variation ID: 2087486). Algorithms developed to predict the effect of missense changes on protein structure and function output the following: SIFT: "Not Available"; PolyPhen-2: "Benign"; Align-GVGD: "Not Available". The serine amino acid residue is found in multiple mammalian species, which suggests that this missense change does not adversely affect protein function. In summary, the available evidence is currently insufficient to determine the role of this variant in disease. Therefore, it has been classified as a Variant of Uncertain Significance.